The following is an entry in ClinVar:

ClinVar aggregate classification (germline): Pathogenic (1 of 4 stars; one submission).

Conditions:
Smith-Lemli-Opitz syndrome (SLOS). Also called: LETHAL ACRODYSGENITAL SYNDROME; POLYDACTYLY, SEX REVERSAL, RENAL HYPOPLASIA, AND UNILOBAR LUNG; RSH SYNDROME; RUTLEDGE LETHAL MULTIPLE CONGENITAL ANOMALY SYNDROME; 7-Dehydrocholesterol reductase deficiency. Identifiers: Orphanet 818, MedGen C0175694, MONDO:0010035, OMIM 270400.

Allele frequency attached by ClinVar (database versions not stated): gnomAD exomes 0.00001; ExAC 0.00002.
gnomAD v4.1: 4 of 1,612,920 alleles (0.00025%); highest among the groups gnomAD compares: Non-Finnish European, 0.00017%; no homozygotes.

Submission:

Labcorp Genetics (formerly Invitae), Labcorp
Classification: Pathogenic for Smith-Lemli-Opitz syndrome. Last evaluated: 2023-09-12. Review status: criteria provided, single submitter. Criteria: Invitae Variant Classification Sherloc (09022015). Collection method: clinical testing. Allele origin: germline.
Comment: ClinVar contains an entry for this variant (Variation ID: 305955). This sequence change replaces phenylalanine, which is neutral and non-polar, with leucine, which is neutral and non-polar, at codon 361 of the DHCR7 protein (p.Phe361Leu). This variant is present in population databases (rs780088227, gnomAD 0.002%). This missense change has been observed in individual(s) with Smith-Lemli-Opitz syndrome (PMID: 23790112). In at least one individual the data is consistent with being in trans (on the opposite chromosome) from a pathogenic variant. Advanced modeling of protein sequence and biophysical properties (such as structural, functional, and spatial information, amino acid conservation, physicochemical variation, residue mobility, and thermodynamic stability) performed at Invitae indicates that this missense variant is expected to disrupt DHCR7 protein function. For these reasons, this variant has been classified as Pathogenic.

Literature cited by the submitters: PubMed 23790112.

NM_001360.3(DHCR7):c.1083C>A (p.Phe361Leu)

Gene: DHCR7 (7-dehydrocholesterol reductase; minus strand). Cytogenetic location: 11q13.4.
Variant type: single nucleotide variant.
Coding change: c.1083C>A on transcript NM_001360.3 (MANE Select); coding-DNA position 1083, C replaced by A.
Protein change: p.Phe361Leu; replaces phenylalanine 361 with leucine.
Molecular consequence: missense variant.
Genome position (GRCh38, 1-based): chr11:71,435,720, G>T on the plus strand (C>A on the coding strand, the complement: DHCR7 is on the minus strand). VCF-style: chr11-71435720-G-T. GRCh37 (hg19) VCF-style: chr11-71146766-G-T.
Other names: c.1083C>A, p.Phe361Leu (NM_001163817.2); short protein forms F361L.
Identifiers: ClinVar variation 305955 (VCV000305955.10), dbSNP rs780088227, ClinGen allele CA6162320.
Genomic context (GRCh38, chr11:71,435,720, plus strand): 5'-GGAGCACTCGATGACCTTGGGCTTCCTGCCCCAGATGAGGCAGCGCCCATCCGTGCGGCG[G>T]AACAGGTCCTTCTGGTGGTTGGCCACCCGGAAGATGTAGTAGCCCACCAGGCCCAGCAGC-3'
Protein context (NP_001351.2, residues 351-371): FRVANHQKDL[Phe361Leu]RRTDGRCLIW